The following is an entry in ClinVar:

ClinVar aggregate classification (germline): Uncertain significance (1 of 4 stars; one submission).

Submission:

ISCA site 14
Classification: Uncertain significance. Last evaluated: 2011-08-12. Review status: criteria provided, single submitter. Criteria: Kaminsky et al. (Genet Med. 2011). Collection method: clinical testing. Allele origin: paternal. Affected: yes. Observed: 1 variant allele.
Comment: Copy number variation identified through the course of routine clinical cytogenomic testing in postnatal populations. Clinical assertions have been curated as described in Kaminsky et al. 2011.

GRCh38/hg38 3p26.3-26.2(chr3:2301168-3219257)x1

Genes: CNTN4 (contactin 4; plus strand), CNTN4-AS1 (CNTN4 antisense RNA 1; minus strand), CRBN (cereblon; minus strand), IL5RA (interleukin 5 receptor subunit alpha; minus strand), TRNT1 (tRNA nucleotidyl transferase 1; plus strand) and 19 more. Cytogenetic location: 3p26.3-26.2.
Variant type: copy number loss.
Change: copy number 1 (one copy instead of two) of chr3:2,301,168-3,219,257 (918.1 kb, GRCh38 coordinates, 1-based), cytogenetic band 3p26.3-26.2.
Identifiers: ClinVar variation 60049 (VCV000060049.1).